The following is an entry in ClinVar:

NM_001267550.2(TTN):c.102794A>G (p.Tyr34265Cys)

Genes: TTN-AS1 (TTN antisense RNA 1; plus strand), TTN (titin; minus strand). Cytogenetic location: 2q31.2.
Variant type: single nucleotide variant.
Coding change: c.102794A>G on transcript NM_001267550.2 (MANE Select); coding-DNA position 102794, A replaced by G.
Protein change: p.Tyr34265Cys; replaces tyrosine 34265 with cysteine.
Molecular consequence: missense variant.
Genome position (GRCh38, 1-based): chr2:178,533,821, T>C on the plus strand (A>G on the coding strand, the complement: TTN is on the minus strand). VCF-style: chr2-178533821-T-C. GRCh37 (hg19) VCF-style: chr2-179398548-T-C.
Other names: c.97871A>G, p.Tyr32624Cys (NM_001256850.1); c.75599A>G, p.Tyr25200Cys (NM_003319.4); c.95090A>G, p.Tyr31697Cys (NM_133378.4); c.75974A>G, p.Tyr25325Cys (NM_133432.3); c.76175A>G, p.Tyr25392Cys (NM_133437.4); short protein forms Y34265C, Y25325C, Y25392C, Y25200C, Y32624C, Y31697C.
Identifiers: ClinVar variation 575045 (VCV000575045.5), dbSNP rs1559030437, ClinGen allele CA349416716.

ClinVar aggregate classification (germline): Conflicting classifications of pathogenicity. Review status: criteria provided, conflicting classifications (1 of 4 stars). 2 submissions from 2 submitters: Uncertain significance (1); Likely benign (1). Last evaluated 2026-09-21.

Conditions:
Dilated cardiomyopathy 1G (CMD1G). Identifiers: Orphanet 154, MedGen C1858763, MONDO:0011400, OMIM 604145.
Autosomal recessive limb-girdle muscular dystrophy type 2J (LGMDR10). Also called: Limb-girdle muscular dystrophy, type 2J; MUSCULAR DYSTROPHY, LIMB-GIRDLE, AUTOSOMAL RECESSIVE 10. Identifiers: Orphanet 140922, MedGen C1837342, MONDO:0012127, OMIM 608807.

Allele frequency attached by ClinVar (database versions not stated): gnomAD exomes 0.00001.
gnomAD v4.1: 8 of 1,614,002 alleles (0.0005%); highest among the groups gnomAD compares: Non-Finnish European, 0.00068%; no homozygotes.

Submissions (2):

Molecular Diagnostic Laboratory for Inherited Cardiovascular Disease, Montreal Heart Institute
Classification: Likely benign. Last evaluated: 2026-09-21. Review status: criteria provided, single submitter. Criteria: ACMG Guidelines, 2015. Collection method: clinical testing. Allele origin: germline. Affected: no.
Comment: BP1

Labcorp Genetics (formerly Invitae), Labcorp
Classification: Uncertain significance for Dilated cardiomyopathy 1G; Autosomal recessive limb-girdle muscular dystrophy type 2J. Last evaluated: 2021-08-30. Review status: criteria provided, single submitter. Criteria: Invitae Variant Classification Sherloc (09022015). Collection method: clinical testing. Allele origin: germline.